The following is an entry in ClinVar:

NM_014994.3(MAPKBP1):c.819+222C>T

Gene: MAPKBP1 (mitogen-activated protein kinase binding protein 1; plus strand). Cytogenetic location: 15q15.1.
Variant type: single nucleotide variant.
Coding change: c.819+222C>T on transcript NM_014994.3 (MANE Select); 222 bases into the intron after coding-DNA position 819, C replaced by T.
Molecular consequence: intron variant.
Genome position (GRCh38, 1-based): chr15:41,813,323, C>T. VCF-style: chr15-41813323-C-T. GRCh37 (hg19) VCF-style: chr15-42105521-C-T.
Other names: c.820-7C>T (NM_001128608.2, NM_001128608.1); c.819+222C>T (NM_001265611.2).
Identifiers: ClinVar variation 2057984 (VCV002057984.6), dbSNP rs374017446, ClinGen allele CA7497669.

ClinVar aggregate classification (germline): Likely benign. Review status: criteria provided, single submitter (1 of 4 stars). 2 submissions from 2 submitters: Likely benign (1). 1 of the submissions does not count toward it. Last evaluated 2026-01-12.

Conditions:
MAPKBP1-related disorder. Also called: MAPKBP1-related condition.

Allele frequency attached by ClinVar (database versions not stated): ExAC 0.00002; TOPMed 0.00006; ESP Exome Variant Server 0.00010.
gnomAD v4.1: 79 of 1,528,492 alleles (0.0052%); highest among the groups gnomAD compares: East Asian, 0.009%; 1 homozygote.

Submissions (2):

Labcorp Genetics (formerly Invitae), Labcorp
Classification: Likely benign. Last evaluated: 2026-01-12. Review status: criteria provided, single submitter. Criteria: Invitae Variant Classification Sherloc (09022015). Collection method: clinical testing. Allele origin: germline.

PreventionGenetics, part of Exact Sciences
Classification: Likely benign for MAPKBP1-related condition. Last evaluated: 2024-02-15. Review status: no assertion criteria provided. Collection method: clinical testing. Allele origin: germline. Not counted in ClinVar's aggregate classification.
Comment: This variant is classified as likely benign based on ACMG/AMP sequence variant interpretation guidelines (Richards et al. 2015 PMID: 25741868, with internal and published modifications).